The following is an entry in ClinVar:

ClinVar aggregate classification (germline): Uncertain significance. Review status: criteria provided, multiple submitters, no conflicts (2 of 4 stars). 3 submissions from 3 submitters: Uncertain significance (3). Last evaluated 2026-01-28.

Conditions:
COL7A1-related disorder. Also called: COL7A1- related disorders; COL7A1-related condition.
Inborn genetic diseases. Identifiers: MedGen C0950123, MeSH D030342.

gnomAD v4.1: 3 of 1,613,848 alleles (0.00019%); highest among the groups gnomAD compares: Non-Finnish European, 0.00017%; no homozygotes.

Submissions (3):

Labcorp Genetics (formerly Invitae), Labcorp
Classification: Uncertain significance. Last evaluated: 2026-01-28. Review status: criteria provided, single submitter. Criteria: Invitae Variant Classification Sherloc (09022015). Collection method: clinical testing. Allele origin: germline.
Comment: This sequence change replaces arginine, which is basic and polar, with threonine, which is neutral and polar, at codon 671 of the COL7A1 protein (p.Arg671Thr). This variant is present in population databases (rs192754202, gnomAD 0.005%). This variant has not been reported in the literature in individuals affected with COL7A1-related conditions. ClinVar contains an entry for this variant (Variation ID: 4232555). Invitae Evidence Modeling of protein sequence and biophysical properties (such as structural, functional, and spatial information, amino acid conservation, physicochemical variation, residue mobility, and thermodynamic stability) indicates that this missense variant is not expected to disrupt COL7A1 protein function with a negative predictive value of 95%. In summary, the available evidence is currently insufficient to determine the role of this variant in disease. Therefore, it has been classified as a Variant of Uncertain Significance.

Ambry Genetics
Classification: Uncertain significance for Inborn genetic diseases. Last evaluated: 2025-08-23. Review status: criteria provided, single submitter. Criteria: Ambry Variant Classification Scheme 2023. Collection method: clinical testing. Allele origin: germline.

PreventionGenetics, part of Exact Sciences
Classification: Uncertain significance for COL7A1-related condition. Last evaluated: 2025-02-10. Review status: criteria provided, single submitter. Criteria: ACMG Guidelines, 2015. Collection method: clinical testing. Allele origin: germline.
Comment: The COL7A1 c.2012G>C variant is predicted to result in the amino acid substitution p.Arg671Thr. To our knowledge, this variant has not been reported in the literature. This variant is reported in 0.0047% of alleles in individuals of European (Finnish) descent in gnomAD. At this time, the clinical significance of this variant is uncertain due to the absence of conclusive functional and genetic evidence.

NM_000094.4(COL7A1):c.2012G>C (p.Arg671Thr)

Gene: COL7A1 (collagen type VII alpha 1 chain; minus strand). Cytogenetic location: 3p21.31.
Variant type: single nucleotide variant.
Coding change: c.2012G>C on transcript NM_000094.4 (MANE Select); coding-DNA position 2012, G replaced by C.
Protein change: p.Arg671Thr; replaces arginine 671 with threonine.
Molecular consequence: missense variant.
Genome position (GRCh38, 1-based): chr3:48,590,251, C>G on the plus strand (G>C on the coding strand, the complement: COL7A1 is on the minus strand). VCF-style: chr3-48590251-C-G. GRCh37 (hg19) VCF-style: chr3-48627684-C-G.
Other names: short protein forms R671T.
Identifiers: ClinVar variation 4232555 (VCV004232555.3).